The following is an entry in ClinVar:

NM_001351132.2(PEX5):c.948G>A (p.Thr316=)

Gene: PEX5 (peroxisomal biogenesis factor 5; plus strand). Cytogenetic location: 12p13.31.
Variant type: single nucleotide variant.
Coding change: c.948G>A on transcript NM_001351132.2 (MANE Select); coding-DNA position 948, G replaced by A.
Protein change: p.Thr316=; no amino-acid change (threonine 316 retained).
Molecular consequence: synonymous variant.
Genome position (GRCh38, 1-based): chr12:7,203,533, G>A. VCF-style: chr12-7203533-G-A. GRCh37 (hg19) VCF-style: chr12-7356129-G-A.
Other names: c.948G>A (NM_001131025.1); c.924G>A, p.Thr308= (NM_000319.5); c.993G>A, p.Thr331= (NM_001131023.2); c.837G>A, p.Thr279= (NM_001131024.2, NM_001351124.3, NM_001351126.2 and 7 more transcripts); c.948G>A, p.Thr316= (NM_001131025.2, NM_001131026.2, NM_001300789.3 and 5 more transcripts); c.882G>A, p.Thr294= (NM_001351135.3, NM_001351138.2); c.813G>A, p.Thr271= (NM_001351139.2, NM_001351140.2, NM_001374649.2).
Identifiers: ClinVar variation 2413785 (VCV002413785.9), dbSNP rs769218179, ClinGen allele CA6426319.

ClinVar aggregate classification (germline): Likely benign. Review status: criteria provided, single submitter (1 of 4 stars). 2 submissions from 2 submitters: Likely benign (1). 1 of the submissions does not count toward it. Last evaluated 2025-03-19.

Conditions:
PEX5-related disorder. Also called: PEX5-Related Disorders; PEX5-related condition.
Peroxisome biogenesis disorder 2B (PBD2B). Identifiers: Orphanet 44, MedGen C3550234, MONDO:0008736, OMIM 202370.

Allele frequency attached by ClinVar (database versions not stated): ExAC 0.00001.

Submissions (2):

Labcorp Genetics (formerly Invitae), Labcorp
Classification: Likely benign for Peroxisome biogenesis disorder 2B. Last evaluated: 2025-03-19. Review status: criteria provided, single submitter. Criteria: Invitae Variant Classification Sherloc (09022015). Collection method: clinical testing. Allele origin: germline.

PreventionGenetics, part of Exact Sciences
Classification: Likely benign for PEX5-related condition. Last evaluated: 2024-02-22. Review status: no assertion criteria provided. Collection method: clinical testing. Allele origin: germline. Not counted in ClinVar's aggregate classification.
Comment: This variant is classified as likely benign based on ACMG/AMP sequence variant interpretation guidelines (Richards et al. 2015 PMID: 25741868, with internal and published modifications).